The following is an entry in ClinVar:

ClinVar aggregate classification (germline): Benign/Likely benign. Review status: criteria provided, multiple submitters, no conflicts (2 of 4 stars). 4 submissions from 4 submitters: Benign (2); Likely benign (1). 1 of the submissions does not count toward it. Last evaluated 2024-11-25.

Conditions:
MYT1-related disorder. Also called: MYT1-related condition.

Allele frequency attached by ClinVar (database versions not stated): 1000 Genomes Project 0.00100; 1000 Genomes Project 30x 0.00156; TOPMed 0.00184; ESP Exome Variant Server 0.00185; gnomAD exomes 0.00186; gnomAD 0.00187 and 0.00189; ExAC 0.00202.
gnomAD v4.1: 3,433 of 1,614,006 alleles (0.21%); highest among the groups gnomAD compares: South Asian, 0.3%; 10 homozygotes.

Submissions (4):

Blueprint Genetics
Classification: Likely benign. Last evaluated: 2024-11-25. Review status: criteria provided, single submitter. Criteria: ACMG Guidelines, 2015. Collection method: clinical testing. Allele origin: germline.

Labcorp Genetics (formerly Invitae), Labcorp
Classification: Benign. Last evaluated: 2018-06-05. Review status: criteria provided, single submitter. Criteria: Invitae Variant Classification Sherloc (09022015). Collection method: clinical testing. Allele origin: germline.

Breakthrough Genomics
Classification: Benign. Review status: criteria provided, single submitter. Criteria: ACMG Guidelines, 2015. Collection method: not provided. Allele origin: germline. Inheritance: Unknown mechanism. Affected: yes.

PreventionGenetics, part of Exact Sciences
Classification: Likely benign for MYT1-related condition. Last evaluated: 2019-06-25. Review status: no assertion criteria provided. Collection method: clinical testing. Allele origin: germline. Not counted in ClinVar's aggregate classification.
Comment: This variant is classified as likely benign based on ACMG/AMP sequence variant interpretation guidelines (Richards et al. 2015 PMID: 25741868, with internal and published modifications).

NM_004535.3(MYT1):c.2664C>T (p.Pro888=)

Gene: MYT1 (myelin transcription factor 1; plus strand). Cytogenetic location: 20q13.33.
Variant type: single nucleotide variant.
Coding change: c.2664C>T on transcript NM_004535.3 (MANE Select); coding-DNA position 2664, C replaced by T.
Protein change: p.Pro888=; no amino-acid change (proline 888 retained).
Molecular consequence: synonymous variant.
Genome position (GRCh38, 1-based): chr20:64,227,960, C>T. VCF-style: chr20-64227960-C-T. GRCh37 (hg19) VCF-style: chr20-62859313-C-T.
Identifiers: ClinVar variation 735459 (VCV000735459.7), dbSNP rs61746507, ClinGen allele CA9975266.
Genomic context (GRCh38, chr20:64,227,960, plus strand): 5'-CCCTCGTGCAAAGAAAAGTGGAGTCAAGGTGGCACCCACCAAGGACGACAAGGAGGACCC[C>T]GAGCTGATGAAGTACGTTGGGCCATGCTGGCTCTTTCATTGCATTGCGGAATTGAGATTT-3'
Protein context (NP_004526.1, residues 878-898): VAPTKDDKED[Pro888=]ELMKCPVPGC